The following is an entry in ClinVar:

ClinVar aggregate classification (germline): Uncertain significance (1 of 4 stars; one submission).

Submission:

Ambry Genetics
Classification: Uncertain significance. Last evaluated: 2025-03-15. Review status: criteria provided, single submitter. Criteria: Ambry Variant Classification Scheme 2023. Collection method: clinical testing. Allele origin: germline.
Comment: The p.D384V variant (also known as c.1151A>T), located in coding exon 11 of the KIF1B gene, results from an A to T substitution at nucleotide position 1151. The aspartic acid at codon 384 is replaced by valine, an amino acid with highly dissimilar properties. This amino acid position is conserved. In addition, this alteration is predicted to be deleterious by in silico analysis. Based on the available evidence, the clinical significance of this variant remains unclear.

NM_001365951.3(KIF1B):c.1169A>T (p.Asp390Val)

Gene: KIF1B (kinesin family member 1B; plus strand). Cytogenetic location: 1p36.22.
Variant type: single nucleotide variant.
Coding change: c.1169A>T on transcript NM_001365951.3 (MANE Select); coding-DNA position 1169, A replaced by T.
Protein change: p.Asp390Val; replaces aspartic acid 390 with valine.
Molecular consequence: missense variant.
Genome position (GRCh38, 1-based): chr1:10,278,117, A>T. VCF-style: chr1-10278117-A-T. GRCh37 (hg19) VCF-style: chr1-10338175-A-T.
Other names: c.1169A>T, p.Asp390Val (NM_001365952.1); c.1151A>T, p.Asp384Val (NM_001365953.1, NM_015074.3, NM_183416.4); short protein forms D384V, D390V.
Identifiers: ClinVar variation 4043068 (VCV004043068.1).